The following is an entry in ClinVar:

ClinVar aggregate classification (germline): Benign (1 of 4 stars; one submission).

Allele frequency attached by ClinVar (database versions not stated): gnomAD exomes 0.01571; gnomAD 0.02112.
gnomAD v4.1: 12,111 of 752,628 alleles (1.6%); highest among the groups gnomAD compares: Admixed American, 5.8%; 1,206 homozygotes.

Submission:

Unidad de Genómica Garrahan, Hospital de Pediatría Garrahan
Classification: Benign. Last evaluated: 2023-11-12. Review status: criteria provided, single submitter. Criteria: ACMG Guidelines, 2015. Collection method: clinical testing. Allele origin: germline. Affected: no. Observed: 28 variant alleles.
Comment: This variant is classified as Benign based on local population frequency. This variant was detected in 29% of patients studied by a panel of primary immunodeficiencies. Number of patients: 28. Only high quality variants are reported.

NM_001243133.2(NLRP3):c.2322-92T>C

Gene: NLRP3 (NLR family pyrin domain containing 3; plus strand). Cytogenetic location: 1q44.
Variant type: single nucleotide variant.
Coding change: c.2322-92T>C on transcript NM_001243133.2 (MANE Select); 92 bases into the intron before coding-DNA position 2322, T replaced by C.
Molecular consequence: intron variant.
Genome position (GRCh38, 1-based): chr1:247,434,011, T>C. VCF-style: chr1-247434011-T-C. GRCh37 (hg19) VCF-style: chr1-247597313-T-C.
Other names: c.2328-92T>C (NM_004895.5); c.2322-92T>C (NM_001127461.3, NM_001079821.3); c.2151-92T>C (NM_001127462.3, NM_183395.3).
Identifiers: ClinVar variation 2628244 (VCV002628244.2), dbSNP rs79889383, ClinGen allele CA40703585.